The following is an entry in ClinVar:

ClinVar aggregate classification (germline): Uncertain significance. Review status: criteria provided, multiple submitters, no conflicts (2 of 4 stars). 4 submissions from 4 submitters: Uncertain significance (4). Last evaluated 2026-07-07.

Conditions:
Malignant hyperthermia, susceptibility to, 1 (MHS1). Also called: Anesthesia related hyperthermia; Malignant hyperpyrexia; Fulminating hyperpyrexia; Pharmacogenic myopathy; RYR1-Related Malignant Hyperthermia Susceptibility; Malignant hyperthermia suceptibility 1. Identifiers: Orphanet 423, MedGen C2930980, MONDO:0007783, OMIM 145600.
RYR1-related disorder. Also called: RYR1-related disorders; RYR1-related condition. Identifiers: MedGen CN239331.
Inborn genetic diseases. Identifiers: MedGen C0950123, MeSH D030342.

Allele frequency attached by ClinVar (database versions not stated): gnomAD exomes 0.00002; TOPMed 0.00002.
gnomAD v4.1: 32 of 1,560,202 alleles (0.0021%); highest among the groups gnomAD compares: Non-Finnish European, 0.0026%; no homozygotes.

Submissions (4):

Ambry Genetics
Classification: Uncertain significance for Inborn genetic diseases. Last evaluated: 2026-07-07. Review status: criteria provided, single submitter. Criteria: Ambry Variant Classification Scheme 2023. Collection method: clinical testing. Allele origin: germline.
Comment: The p.E1343K variant (also known as c.4027G>A), located in coding exon 28 of the RYR1 gene, results from a G to A substitution at nucleotide position 4027. The glutamic acid at codon 1343 is replaced by lysine, an amino acid with similar properties. This amino acid position is conserved. In addition, the in silico prediction for this alteration is inconclusive. Based on the available evidence, the clinical significance of this variant remains unclear.

Labcorp Genetics (formerly Invitae), Labcorp
Classification: Uncertain significance for RYR1-related disorder. Last evaluated: 2026-01-13. Review status: criteria provided, single submitter. Criteria: Invitae Variant Classification Sherloc (09022015). Collection method: clinical testing. Allele origin: germline.
Comment: This sequence change replaces glutamic acid, which is acidic and polar, with lysine, which is basic and polar, at codon 1343 of the RYR1 protein (p.Glu1343Lys). This variant is not present in population databases (gnomAD no frequency). This variant has not been reported in the literature in individuals affected with RYR1-related conditions. ClinVar contains an entry for this variant (Variation ID: 937227). Invitae Evidence Modeling of protein sequence and biophysical properties (such as structural, functional, and spatial information, amino acid conservation, physicochemical variation, residue mobility, and thermodynamic stability) indicates that this missense variant is not expected to disrupt RYR1 protein function with a negative predictive value of 95%. In summary, the available evidence is currently insufficient to determine the role of this variant in disease. Therefore, it has been classified as a Variant of Uncertain Significance.

Color Diagnostics, LLC DBA Color Health
Classification: Uncertain significance for Malignant hyperthermia, susceptibility to, 1. Last evaluated: 2025-07-14. Review status: criteria provided, single submitter. Criteria: ACMG Guidelines, 2015. Collection method: clinical testing. Allele origin: germline.
Comment: This missense variant replaces glutamic acid with lysine at codon 1343 of the RYR1 protein. Computational prediction suggests that this variant may not impact protein structure and function. To our knowledge, functional studies have not been reported for this variant. This variant has not been reported in individuals affected with RYR1-related disorders in the literature. This variant has not been identified in the general population by the Genome Aggregation Database (gnomAD). The available evidence is insufficient to determine the role of this variant in disease conclusively. Therefore, this variant is classified as a Variant of Uncertain Significance.

PreventionGenetics, part of Exact Sciences
Classification: Uncertain significance for RYR1-related condition. Last evaluated: 2023-05-15. Review status: criteria provided, single submitter. Criteria: ACMG Guidelines, 2015. Collection method: clinical testing. Allele origin: germline.
Comment: The RYR1 c.4027G>A variant is predicted to result in the amino acid substitution p.Glu1343Lys. To our knowledge, this variant has not been reported in the literature or in a large population database, indicating this variant is rare. At this time, the clinical significance of this variant is uncertain due to the absence of conclusive functional and genetic evidence.

NM_000540.3(RYR1):c.4027G>A (p.Glu1343Lys)

Gene: RYR1 (ryanodine receptor 1; plus strand). Cytogenetic location: 19q13.2.
Variant type: single nucleotide variant.
Coding change: c.4027G>A on transcript NM_000540.3 (MANE Select); coding-DNA position 4027, G replaced by A.
Protein change: p.Glu1343Lys; replaces glutamic acid 1343 with lysine.
Molecular consequence: missense variant.
Genome position (GRCh38, 1-based): chr19:38,473,638, G>A. VCF-style: chr19-38473638-G-A. GRCh37 (hg19) VCF-style: chr19-38964278-G-A.
Other names: c.4027G>A, p.Glu1343Lys (NM_001042723.2); short protein forms E1343K.
Identifiers: ClinVar variation 937227 (VCV000937227.13), dbSNP rs956750749, ClinGen allele CA308079774.